The following is an entry in ClinVar:

ClinVar aggregate classification (germline): Uncertain significance (1 of 4 stars; one submission).

Submission:

Labcorp Genetics (formerly Invitae), Labcorp
Classification: Uncertain significance. Last evaluated: 2024-07-25. Review status: criteria provided, single submitter. Criteria: Invitae Variant Classification Sherloc (09022015). Collection method: clinical testing. Allele origin: germline.
Comment: This sequence change replaces proline, which is neutral and non-polar, with serine, which is neutral and polar, at codon 752 of the COL11A1 protein (p.Pro752Ser). This variant is not present in population databases (gnomAD no frequency). This variant has not been reported in the literature in individuals affected with COL11A1-related conditions. Advanced modeling of protein sequence and biophysical properties (such as structural, functional, and spatial information, amino acid conservation, physicochemical variation, residue mobility, and thermodynamic stability) performed at Invitae indicates that this missense variant is not expected to disrupt COL11A1 protein function with a negative predictive value of 95%. In summary, the available evidence is currently insufficient to determine the role of this variant in disease. Therefore, it has been classified as a Variant of Uncertain Significance.

NM_001854.4(COL11A1):c.2254C>T (p.Pro752Ser)

Gene: COL11A1 (collagen type XI alpha 1 chain; minus strand). Cytogenetic location: 1p21.1.
Variant type: single nucleotide variant.
Coding change: c.2254C>T on transcript NM_001854.4 (MANE Select); coding-DNA position 2254, C replaced by T.
Protein change: p.Pro752Ser; replaces proline 752 with serine.
Molecular consequence: missense variant. On other transcripts: non-coding transcript variant (1).
Genome position (GRCh38, 1-based): chr1:102,996,030, G>A on the plus strand (C>T on the coding strand, the complement: COL11A1 is on the minus strand). VCF-style: chr1-102996030-G-A. GRCh37 (hg19) VCF-style: chr1-103461586-G-A.
Other names: c.2137C>T, p.Pro713Ser (NM_001190709.2); c.2290C>T, p.Pro764Ser (NM_080629.3); c.1906C>T, p.Pro636Ser (NM_080630.4); short protein forms P636S, P713S, P752S, P764S.
Identifiers: ClinVar variation 3603858 (VCV003603858.2).
Genomic context (GRCh38, chr1:102,996,030, plus strand): 5'-GAAAACAATTTAACGTTACCTTTACTCCCCGGGGGCCCGGGTATCCAATAGGACCTTGTG[G>A]ACCAGGGGGACCCTGAAATAGATGAATTACCACTTATACGTGTAATAAATTGAAAGTGCT-3'
Protein context (NP_001845.3, residues 742-762): GEKGALGPPG[Pro752Ser]QGPIGYPGPR